The following is an entry in ClinVar:

ClinVar aggregate classification (germline): Uncertain significance (1 of 4 stars; one submission).

Conditions:
Early-infantile DEE. Also called: Early infantile epileptic encephalopathy; Ohtahara syndrome; Early infantile epileptic encephalopathy with suppression bursts. Identifiers: Orphanet 1934, MedGen C0393706, MONDO:0800491.

Submission:

Labcorp Genetics (formerly Invitae), Labcorp
Classification: Uncertain significance for Early-infantile DEE. Last evaluated: 2025-10-23. Review status: criteria provided, single submitter. Criteria: Invitae Variant Classification Sherloc (09022015). Collection method: clinical testing. Allele origin: germline.
Comment: This sequence change falls in intron 20 of the SCN1A gene. It does not directly change the encoded amino acid sequence of the SCN1A protein. However, this sequence change falls within a region encompassing a cryptic exon in the SCN1A gene, in which variants have been shown to alter splicing (PMID: 30526861, 34107977). This variant is present in population databases (no rsID available, gnomAD 0.01%). This variant has not been reported in the literature in individuals affected with SCN1A-related conditions. Algorithms developed to predict the effect of sequence changes on RNA splicing suggest that this variant is not likely to affect RNA splicing. In summary, the available evidence is currently insufficient to determine the role of this variant in disease. Therefore, it has been classified as a Variant of Uncertain Significance.

Literature cited by the submitters: PubMed 30526861; PubMed 34107977.

NM_001165963.4(SCN1A):c.4002+2057_4002+2059del

Genes: SCN1A (sodium voltage-gated channel alpha subunit 1; minus strand), LOC102724058 (uncharacterized LOC102724058; plus strand). Cytogenetic location: 2q24.3.
Variant type: Microsatellite.
Coding change: c.4002+2057_4002+2059del on transcript NM_001165963.4 (MANE Select); bases 2057 to 2059 of the intron after coding-DNA position 4002, 3 bases deleted (AAG; older notation c.4002+2057_4002+2059delAAG).
Molecular consequence: intron variant.
Genome position (GRCh38, 1-based): chr2:166,007,660-166,007,662, CTT deleted on the plus strand (AAG on the coding strand, the reverse complement: SCN1A is on the minus strand); deleting any 3 consecutive bases within chr2:166,007,660-166,007,665 gives the same sequence; the c. name uses the placement nearest the transcript's 3' end. VCF-style (leftmost placement, unchanged base first): chr2-166007659-ACTT-A. GRCh37 (hg19) VCF-style: chr2-166864169-ACTT-A.
Other names: c.3969+2057_3969+2059del (NM_001353949.2, NM_001353950.2, NM_001353951.2 and 2 more transcripts); c.3918+2057_3918+2059del (NM_001353958.2, NM_001353957.2, NM_001165964.3); c.4002+2057_4002+2059del (NM_001202435.3, NM_001353948.2); c.3966+2057_3966+2059del (NM_001353955.2, NM_001353954.2); c.3915+2057_3915+2059del (NM_001353960.2); c.1560+2057_1560+2059del (NM_001353961.2).
Identifiers: ClinVar variation 1671707 (VCV001671707.9), dbSNP rs1192335240, ClinGen allele CA537134269.